The following is an entry in ClinVar:

NM_001267550.2(TTN):c.86821+3A>G

Genes: TTN (titin; minus strand), TTN-AS1 (TTN antisense RNA 1; plus strand). Cytogenetic location: 2q31.2.
Variant type: single nucleotide variant.
Coding change: c.86821+3A>G on transcript NM_001267550.2 (MANE Select); 3 bases into the intron after coding-DNA position 86821, A replaced by G.
Molecular consequence: intron variant.
Genome position (GRCh38, 1-based): chr2:178,559,308, T>C on the plus strand (A>G on the coding strand, the complement: TTN is on the minus strand). VCF-style: chr2-178559308-T-C. GRCh37 (hg19) VCF-style: chr2-179424035-T-C.
Other names: c.81898+3A>G (NM_001256850.1); c.59626+3A>G (NM_003319.4); c.60202+3A>G (NM_133437.4); c.60001+3A>G (NM_133432.3); c.79117+3A>G (NM_133378.4).
Identifiers: ClinVar variation 507774 (VCV000507774.9), dbSNP rs1010541689, ClinGen allele CA60983587.

ClinVar aggregate classification (germline): Conflicting classifications of pathogenicity. Review status: criteria provided, conflicting classifications (1 of 4 stars). 2 submissions from 2 submitters: Uncertain significance (1); Likely benign (1). Last evaluated 2025-04-20.

Conditions:
Dilated cardiomyopathy 1G (CMD1G). Identifiers: Orphanet 154, MedGen C1858763, MONDO:0011400, OMIM 604145.
Autosomal recessive limb-girdle muscular dystrophy type 2J (LGMDR10). Also called: Limb-girdle muscular dystrophy, type 2J; MUSCULAR DYSTROPHY, LIMB-GIRDLE, AUTOSOMAL RECESSIVE 10. Identifiers: Orphanet 140922, MedGen C1837342, MONDO:0012127, OMIM 608807.

Allele frequency attached by ClinVar (database versions not stated): gnomAD 0.00001; gnomAD exomes 0.00001; TOPMed 0.00001.
gnomAD v4.1: 12 of 1,581,552 alleles (0.00076%); highest among the groups gnomAD compares: East Asian, 0.0067%; no homozygotes.

Submissions (2):

Labcorp Genetics (formerly Invitae), Labcorp
Classification: Uncertain significance for Dilated cardiomyopathy 1G; Autosomal recessive limb-girdle muscular dystrophy type 2J. Last evaluated: 2025-04-20. Review status: criteria provided, single submitter. Criteria: Invitae Variant Classification Sherloc (09022015). Collection method: clinical testing. Allele origin: germline.
Comment: This sequence change falls in intron 326 of the TTN gene. It does not directly change the encoded amino acid sequence of the TTN protein. It affects a nucleotide within the consensus splice site. This variant is present in population databases (no rsID available, gnomAD 0.01%). This variant has been observed in individual(s) with dilated cardiomyopathy (PMID: 34461741). ClinVar contains an entry for this variant (Variation ID: 507774). Variants that disrupt the consensus splice site are a relatively common cause of aberrant splicing (PMID: 17576681, 9536098). Algorithms developed to predict the effect of sequence changes on RNA splicing suggest that this variant is not likely to affect RNA splicing. This variant is located in the A band of TTN (PMID: 25589632). Variants in this region may be relevant for cardiac or neuromuscular disorders (PMID: 25589632, 23975875). In summary, the available evidence is currently insufficient to determine the role of this variant in disease. Therefore, it has been classified as a Variant of Uncertain Significance.

GeneDx
Classification: Likely benign. Last evaluated: 2017-02-28. Review status: criteria provided, single submitter. Criteria: GeneDx Variant Classification (06012015). Collection method: clinical testing. Allele origin: germline. Affected: yes.
Comment: This variant is considered likely benign or benign based on one or more of the following criteria: it is a conservative change, it occurs at a poorly conserved position in the protein, it is predicted to be benign by multiple in silico algorithms, and/or has population frequency not consistent with disease.

Literature cited by the submitters: PubMed 34461741 (cited by Labcorp Genetics (formerly Invitae), Labcorp); PubMed 17576681 (cited by Labcorp Genetics (formerly Invitae), Labcorp); PubMed 9536098 (cited by Labcorp Genetics (formerly Invitae), Labcorp); PubMed 25589632 (cited by Labcorp Genetics (formerly Invitae), Labcorp); PubMed 23975875 (cited by Labcorp Genetics (formerly Invitae), Labcorp).